The following is an entry in ClinVar:

NM_004387.4(NKX2-5):c.955C>T (p.His319Tyr)

Gene: NKX2-5 (NK2 homeobox 5; minus strand). Cytogenetic location: 5q35.1.
Variant type: single nucleotide variant.
Coding change: c.955C>T on transcript NM_004387.4 (MANE Select); coding-DNA position 955, C replaced by T.
Protein change: p.His319Tyr; replaces histidine 319 with tyrosine.
Molecular consequence: missense variant. On other transcripts: 3 prime UTR variant (2).
Genome position (GRCh38, 1-based): chr5:173,232,589, G>A on the plus strand (C>T on the coding strand, the complement: NKX2-5 is on the minus strand). VCF-style: chr5-173232589-G-A. GRCh37 (hg19) VCF-style: chr5-172659592-G-A.
Other names: c.*908C>T (NM_001166175.2); c.*754C>T (NM_001166176.2); short protein forms H319Y.
Identifiers: ClinVar variation 4072532 (VCV004072532.1).

ClinVar aggregate classification (germline): Uncertain significance (1 of 4 stars; one submission).

Submission:

GeneDx
Classification: Uncertain significance. Last evaluated: 2025-01-31. Review status: criteria provided, single submitter. Criteria: GeneDx Variant Classification Process June 2021. Collection method: clinical testing. Allele origin: germline. Affected: yes.
Comment: Not observed at significant frequency in large population cohorts (gnomAD); In silico analysis indicates that this missense variant does not alter protein structure/function; Has not been previously published as pathogenic or benign to our knowledge